The following is an entry in ClinVar:

ClinVar aggregate classification (germline): Uncertain significance. Review status: criteria provided, multiple submitters, no conflicts (2 of 4 stars). 2 submissions from 2 submitters: Uncertain significance (2). Last evaluated 2024-11-04.

Conditions:
Nemaline myopathy 2 (NEM2). Also called: Nemaline myopathy 2, autosomal recessive. Identifiers: MedGen C1850569, MONDO:0009725, OMIM 256030.

Allele frequency attached by ClinVar (database versions not stated): ExAC 0.00002.
gnomAD v4.1: 43 of 1,613,844 alleles (0.0027%); highest among the groups gnomAD compares: Middle Eastern, 0.016%; no homozygotes.

Submissions (2):

Revvity Omics, Revvity
Classification: Uncertain significance. Last evaluated: 2024-11-04. Review status: criteria provided, single submitter. Criteria: ACMG Guidelines, 2015. Collection method: clinical testing. Allele origin: germline.

Labcorp Genetics (formerly Invitae), Labcorp
Classification: Uncertain significance for Nemaline myopathy 2. Last evaluated: 2022-04-07. Review status: criteria provided, single submitter. Criteria: Invitae Variant Classification Sherloc (09022015). Collection method: clinical testing. Allele origin: germline.
Comment: This sequence change replaces arginine, which is basic and polar, with histidine, which is basic and polar, at codon 2556 of the NEB protein (p.Arg2556His). This variant is present in population databases (rs764471883, gnomAD 0.006%). This variant has not been reported in the literature in individuals affected with NEB-related conditions. Algorithms developed to predict the effect of missense changes on protein structure and function are either unavailable or do not agree on the potential impact of this missense change (SIFT: "Deleterious"; PolyPhen-2: "Not Available"; Align-GVGD: "Class C0"). In summary, the available evidence is currently insufficient to determine the role of this variant in disease. Therefore, it has been classified as a Variant of Uncertain Significance.

NM_001164508.2(NEB):c.7667G>A (p.Arg2556His)

Gene: NEB (nebulin; minus strand). Cytogenetic location: 2q23.3.
Variant type: single nucleotide variant.
Coding change: c.7667G>A on transcript NM_001164508.2 (MANE Select); coding-DNA position 7667, G replaced by A.
Protein change: p.Arg2556His; replaces arginine 2556 with histidine.
Molecular consequence: missense variant.
Genome position (GRCh38, 1-based): chr2:151,644,107, C>T on the plus strand (G>A on the coding strand, the complement: NEB is on the minus strand). VCF-style: chr2-151644107-C-T. GRCh37 (hg19) VCF-style: chr2-152500621-C-T.
Other names: c.7667G>A, p.Arg2556His (NM_001164507.2, NM_001271208.2, NM_004543.5); short protein forms R2556H.
Identifiers: ClinVar variation 2139210 (VCV002139210.2), dbSNP rs764471883, ClinGen allele CA1909779.